The following is an entry in ClinVar:

ClinVar aggregate classification (germline): Uncertain significance (1 of 4 stars; one submission).

Conditions:
Deficiency of ferroxidase (ACEP). Also called: Aceruloplasminemia; Deficiency of ceruloplasmin; NEURODEGENERATION WITH BRAIN IRON ACCUMULATION 10; Ceruloplasmin deficiency; Familial apoceruloplasmin deficiency; Hereditary ceruloplasmin deficiency. Identifiers: Orphanet 48818, MedGen C0878682, MONDO:0011426, OMIM 604290, HP:0025498.

Allele frequency attached by ClinVar (database versions not stated): TOPMed below 0.00001; ExAC 0.00001; gnomAD exomes 0.00001.
gnomAD v4.1: 15 of 1,613,948 alleles (0.00093%); highest among the groups gnomAD compares: African/African-American, 0.0013%; no homozygotes.

Submission:

Labcorp Genetics (formerly Invitae), Labcorp
Classification: Uncertain significance for Deficiency of ferroxidase. Last evaluated: 2022-06-13. Review status: criteria provided, single submitter. Criteria: Invitae Variant Classification Sherloc (09022015). Collection method: clinical testing. Allele origin: germline.
Comment: In summary, the available evidence is currently insufficient to determine the role of this variant in disease. Therefore, it has been classified as a Variant of Uncertain Significance. Advanced modeling of protein sequence and biophysical properties (such as structural, functional, and spatial information, amino acid conservation, physicochemical variation, residue mobility, and thermodynamic stability) performed at Invitae indicates that this missense variant is expected to disrupt CP protein function. This variant has not been reported in the literature in individuals affected with CP-related conditions. This variant is not present in population databases (gnomAD no frequency). This sequence change replaces alanine, which is neutral and non-polar, with threonine, which is neutral and polar, at codon 296 of the CP protein (p.Ala296Thr).

NM_000096.4(CP):c.886G>A (p.Ala296Thr)

Gene: CP (ceruloplasmin; minus strand). Cytogenetic location: 3q25.1.
Variant type: single nucleotide variant.
Coding change: c.886G>A on transcript NM_000096.4 (MANE Select); coding-DNA position 886, G replaced by A.
Protein change: p.Ala296Thr; replaces alanine 296 with threonine.
Molecular consequence: missense variant. On other transcripts: non-coding transcript variant (1).
Genome position (GRCh38, 1-based): chr3:149,207,513, C>T on the plus strand (G>A on the coding strand, the complement: CP is on the minus strand). VCF-style: chr3-149207513-C-T. GRCh37 (hg19) VCF-style: chr3-148925300-C-T.
Other names: short protein forms A296T.
Identifiers: ClinVar variation 1431347 (VCV001431347.5), dbSNP rs765169503, ClinGen allele CA2661205.